The following is an entry in ClinVar:

ClinVar aggregate classification (germline): Uncertain significance (1 of 4 stars; one submission).

Allele frequency attached by ClinVar (database versions not stated): gnomAD exomes below 0.00001.

Submission:

Labcorp Genetics (formerly Invitae), Labcorp
Classification: Uncertain significance. Last evaluated: 2025-04-19. Review status: criteria provided, single submitter. Criteria: Invitae Variant Classification Sherloc (09022015). Collection method: clinical testing. Allele origin: germline.
Comment: This sequence change results in a frameshift in the MFAP5 gene (p.Asp166Valfs*11). While this is not anticipated to result in nonsense mediated decay, it is expected to disrupt the last 8 amino acid(s) of the MFAP5 protein and extend the protein by 2 additional amino acid residues. This variant is not present in population databases (gnomAD no frequency). This variant has not been reported in the literature in individuals affected with MFAP5-related conditions. ClinVar contains an entry for this variant (Variation ID: 1977577). Experimental studies and prediction algorithms are not available or were not evaluated, and the functional significance of this variant is currently unknown. In summary, the available evidence is currently insufficient to determine the role of this variant in disease. Therefore, it has been classified as a Variant of Uncertain Significance.

NM_003480.4(MFAP5):c.497del (p.Asp166fs)

Genes: MFAP5 (microfibril associated protein 5; minus strand), LOC126861443 (BRD4-independent group 4 enhancer GRCh37_chr12:8800473-8801672; plus strand). Cytogenetic location: 12p13.31.
Variant type: Deletion.
Coding change: c.497del on transcript NM_003480.4 (MANE Select); coding-DNA position 497, one base deleted (A; older notation c.497delA).
Protein change: p.Asp166fs; shifts the reading frame from aspartic acid 166.
Molecular consequence: frameshift variant. On other transcripts: non-coding transcript variant (2).
Genome position (GRCh38, 1-based): chr12:8,648,116, T deleted on the plus strand (A on the coding strand, the reverse complement: MFAP5 is on the minus strand). VCF-style (leftmost placement, unchanged base first): chr12-8648115-AT-A. GRCh37 (hg19) VCF-style: chr12-8800711-AT-A.
Other names: c.467del, p.Asp156fs (NM_001297709.2); c.431del, p.Asp144fs (NM_001297710.2); c.422del, p.Asp141fs (NM_001297711.2); c.305del, p.Asp102fs (NM_001297712.2); short protein forms D102fs, D156fs, D166fs, D141fs, D144fs.
Identifiers: ClinVar variation 1977577 (VCV001977577.5), dbSNP rs2540282422, ClinGen allele CA2580086303.